The following is an entry in ClinVar:

NM_002485.5(NBN):c.283G>C (p.Asp95His)

Gene: NBN (nibrin; minus strand). Cytogenetic location: 8q21.3.
Variant type: single nucleotide variant.
Coding change: c.283G>C on transcript NM_002485.5 (MANE Select); coding-DNA position 283, G replaced by C.
Protein change: p.Asp95His; replaces aspartic acid 95 with histidine.
Molecular consequence: missense variant.
Genome position (GRCh38, 1-based): chr8:89,981,412, C>G on the plus strand (G>C on the coding strand, the complement: NBN is on the minus strand). VCF-style: chr8-89981412-C-G. GRCh37 (hg19) VCF-style: chr8-90993640-C-G.
Other names: c.37G>C, p.Asp13His (NM_001024688.3); short protein forms D95H, D13H.
Identifiers: ClinVar variation 577252 (VCV000577252.16), dbSNP rs61753720, ClinGen allele CA371662412.

ClinVar aggregate classification (germline): Uncertain significance. Review status: criteria provided, multiple submitters, no conflicts (2 of 4 stars). 4 submissions from 4 submitters: Uncertain significance (3). 1 of the submissions does not count toward it. Last evaluated 2025-04-11.

Conditions:
Microcephaly, normal intelligence and immunodeficiency (NBS). Also called: BERLIN BREAKAGE SYNDROME; SEEMANOVA SYNDROME II; Ataxia telangiectasia variant V1; IMMUNODEFICIENCY, MICROCEPHALY, AND CHROMOSOMAL INSTABILITY; Immunodeficiency, microcephaly with normal intelligence; Nijmegen breakage syndrome. Identifiers: Orphanet 647, MedGen C0398791, MONDO:0009623, OMIM 251260.
Hereditary cancer-predisposing syndrome. Also called: Hereditary neoplastic syndrome; Tumor predisposition; Hereditary Cancer Syndrome; Neoplastic Syndromes, Hereditary. Identifiers: Orphanet 140162, MedGen C0027672, MeSH D009386, MONDO:0015356.

Submissions (4):

Ambry Genetics
Classification: Uncertain significance for Hereditary cancer-predisposing syndrome. Last evaluated: 2025-04-11. Review status: criteria provided, single submitter. Criteria: Ambry Variant Classification Scheme 2023. Collection method: clinical testing. Allele origin: germline.
Comment: The p.D95H variant (also known as c.283G>C), located in coding exon 3 of the NBN gene, results from a G to C substitution at nucleotide position 283. The aspartic acid at codon 95 is replaced by histidine, an amino acid with similar properties. This amino acid position is highly conserved in available vertebrate species. In addition, this alteration is predicted to be deleterious by in silico analysis. Since supporting evidence is limited at this time, the clinical significance of this alteration remains unclear.

GeneDx
Classification: Uncertain significance. Last evaluated: 2022-07-07. Review status: criteria provided, single submitter. Criteria: GeneDx Variant Classification Process June 2021. Collection method: clinical testing. Allele origin: germline. Affected: yes.
Comment: Not observed at significant frequency in large population cohorts (gnomAD); In silico analysis supports that this missense variant has a deleterious effect on protein structure/function; Has not been previously published as pathogenic or benign to our knowledge; This variant is associated with the following publications: (PMID: 24894818)

Labcorp Genetics (formerly Invitae), Labcorp
Classification: Uncertain significance for Microcephaly, normal intelligence and immunodeficiency. Last evaluated: 2021-09-01. Review status: criteria provided, single submitter. Criteria: Invitae Variant Classification Sherloc (09022015). Collection method: clinical testing. Allele origin: germline.
Comment: This sequence change replaces aspartic acid with histidine at codon 95 of the NBN protein (p.Asp95His). The aspartic acid residue is moderately conserved and there is a moderate physicochemical difference between aspartic acid and histidine. This variant is not present in population databases (ExAC no frequency). This variant has not been reported in the literature in individuals affected with NBN-related conditions. ClinVar contains an entry for this variant (Variation ID: 577252). Algorithms developed to predict the effect of missense changes on protein structure and function are either unavailable or do not agree on the potential impact of this missense change (SIFT: "Tolerated"; PolyPhen-2: "Probably Damaging"; Align-GVGD: "Class C0"). In summary, the available evidence is currently insufficient to determine the role of this variant in disease. Therefore, it has been classified as a Variant of Uncertain Significance.

Natera, Inc.
Classification: Uncertain significance for Nijmegen breakage syndrome. Last evaluated: 2020-03-31. Review status: no assertion criteria provided. Collection method: clinical testing. Allele origin: germline. Not counted in ClinVar's aggregate classification.